The following is an entry in ClinVar:

ClinVar aggregate classification (germline): Uncertain significance (1 of 4 stars; one submission).

Submission:

Labcorp Genetics (formerly Invitae), Labcorp
Classification: Uncertain significance. Last evaluated: 2023-08-30. Review status: criteria provided, single submitter. Criteria: Invitae Variant Classification Sherloc (09022015). Collection method: clinical testing. Allele origin: germline.
Comment: In summary, the available evidence is currently insufficient to determine the role of this variant in disease. Therefore, it has been classified as a Variant of Uncertain Significance. Experimental studies and prediction algorithms are not available or were not evaluated, and the functional significance of this variant is currently unknown. This variant has not been reported in the literature in individuals affected with LZTS1-related conditions. This variant is present in population databases (no rsID available, gnomAD 0.0009%). This variant, c.1612_1614del, results in the deletion of 1 amino acid(s) of the LZTS1 protein (p.Lys538del), but otherwise preserves the integrity of the reading frame.

NM_021020.5(LZTS1):c.1612_1614del (p.Lys538del)

Gene: LZTS1 (leucine zipper tumor suppressor 1; minus strand). Cytogenetic location: 8p21.3.
Variant type: Deletion.
Coding change: c.1612_1614del on transcript NM_021020.5 (MANE Select); coding-DNA positions 1612 to 1614, 3 bases deleted (AAG; older notation c.1612_1614delAAG).
Protein change: p.Lys538del; deletes lysine 538.
Molecular consequence: inframe deletion.
Genome position (GRCh38, 1-based): chr8:20,249,899-20,249,901, CTT deleted on the plus strand (AAG on the coding strand, the reverse complement: LZTS1 is on the minus strand); deleting any 3 consecutive bases within chr8:20,249,899-20,249,903 gives the same sequence; the c. name uses the placement nearest the transcript's 3' end. VCF-style (leftmost placement, unchanged base first): chr8-20249898-CCTT-C. GRCh37 (hg19) VCF-style: chr8-20107409-CCTT-C.
Other names: c.1612_1614del, p.Lys538del (NM_001362884.2); short protein forms K538del.
Identifiers: ClinVar variation 2915951 (VCV002915951.3), dbSNP rs1181424658, ClinGen allele CA580941399.